The following is an entry in ClinVar:

NM_014714.4(IFT140):c.2706C>T (p.Ser902=)

Gene: IFT140 (intraflagellar transport 140; minus strand). Cytogenetic location: 16p13.3.
Variant type: single nucleotide variant.
Coding change: c.2706C>T on transcript NM_014714.4 (MANE Select); coding-DNA position 2706, C replaced by T.
Protein change: p.Ser902=; no amino-acid change (serine 902 retained).
Molecular consequence: synonymous variant.
Genome position (GRCh38, 1-based): chr16:1,525,949, G>A on the plus strand (C>T on the coding strand, the complement: IFT140 is on the minus strand). VCF-style: chr16-1525949-G-A. GRCh37 (hg19) VCF-style: chr16-1575950-G-A.
Other names: c.2706C>T (NM_014714.3).
Identifiers: ClinVar variation 1138961 (VCV001138961.10), dbSNP rs533750683, ClinGen allele CA7813523.

ClinVar aggregate classification (germline): Likely benign. Review status: criteria provided, multiple submitters, no conflicts (2 of 4 stars). 2 submissions from 2 submitters: Likely benign (2). Last evaluated 2025-12-16.

Conditions:
Saldino-Mainzer syndrome (SRTD9). Also called: CONORENAL SYNDROME; SHORT-RIB THORACIC DYSPLASIA 9 WITHOUT POLYDACTYLY; short-rib thoracic dysplasia 9 with or without polydactyly; Renal dysplasia, retinal pigmentary dystrophy, cerebellar ataxia and skeletal dysplasia. Identifiers: Orphanet 140969, MedGen C1849437, MONDO:0009964, OMIM 266920.
IFT140-related disorder. Also called: IFT140-related condition.

Allele frequency attached by ClinVar (database versions not stated): gnomAD 0.00001 and 0.00004; gnomAD exomes 0.00004 and 0.00010; TOPMed 0.00004; ExAC 0.00011; 1000 Genomes Project 30x 0.00016; 1000 Genomes Project 0.00020.
gnomAD v4.1: 29 of 1,579,136 alleles (0.0018%); highest among the groups gnomAD compares: Admixed American, 0.053%; 1 homozygote.

Submissions (2):

Labcorp Genetics (formerly Invitae), Labcorp
Classification: Likely benign for Saldino-Mainzer syndrome. Last evaluated: 2025-12-16. Review status: criteria provided, single submitter. Criteria: Invitae Variant Classification Sherloc (09022015). Collection method: clinical testing. Allele origin: germline.

PreventionGenetics, part of Exact Sciences
Classification: Likely benign for IFT140-related condition. Last evaluated: 2025-05-12. Review status: criteria provided, single submitter. Criteria: ACMG Guidelines, 2015. Collection method: clinical testing. Allele origin: germline.
Comment: This variant is classified as likely benign based on ACMG/AMP sequence variant interpretation guidelines (Richards et al. 2015 PMID: 25741868, with internal and published modifications).